The following is an entry in ClinVar:

ClinVar aggregate classification (germline): Uncertain significance. Review status: criteria provided, multiple submitters, no conflicts (2 of 4 stars). 4 submissions from 4 submitters: Uncertain significance (4). Last evaluated 2023-08-17.

Conditions:
Hereditary breast ovarian cancer syndrome. Also called: Hereditary breast and ovarian cancer; Hereditary breast and ovarian cancer syndrome (HBOC); Breast and ovarian cancer; Hereditary breast and ovarian cancer syndrome; BRCA1- and BRCA2-Associated Hereditary Breast and Ovarian Cancer; Hereditary breast and/or ovarian cancer syndrome. Identifiers: Orphanet 145, MedGen C0677776, MeSH D061325, MONDO:0003582. Disease mechanism: loss of function.
Hereditary cancer-predisposing syndrome. Also called: Tumor predisposition; Neoplastic Syndromes, Hereditary; Hereditary neoplastic syndrome; Hereditary Cancer Syndrome. Identifiers: Orphanet 140162, MedGen C0027672, MeSH D009386, MONDO:0015356.

Submissions (4):

Labcorp Genetics (formerly Invitae), Labcorp
Classification: Uncertain significance for Hereditary breast ovarian cancer syndrome. Last evaluated: 2023-08-17. Review status: criteria provided, single submitter. Criteria: Invitae Variant Classification Sherloc (09022015). Collection method: clinical testing. Allele origin: germline.
Comment: In summary, the available evidence is currently insufficient to determine the role of this variant in disease. Therefore, it has been classified as a Variant of Uncertain Significance. This sequence change replaces serine, which is neutral and polar, with asparagine, which is neutral and polar, at codon 263 of the BRCA2 protein (p.Ser263Asn). This variant is not present in population databases (gnomAD no frequency). This variant has not been reported in the literature in individuals affected with BRCA2-related conditions. ClinVar contains an entry for this variant (Variation ID: 631385). Advanced modeling of protein sequence and biophysical properties (such as structural, functional, and spatial information, amino acid conservation, physicochemical variation, residue mobility, and thermodynamic stability) performed at Invitae indicates that this missense variant is not expected to disrupt BRCA2 protein function.

Quest Diagnostics Nichols Institute San Juan Capistrano
Classification: Uncertain significance. Last evaluated: 2022-12-07. Review status: criteria provided, single submitter. Criteria: Quest Diagnostics criteria. Collection method: clinical testing. Allele origin: unknown.
Comment: The variant has not been reported in the published literature. It also has not been reported in large, multi-ethnic general populations. Analysis of this variant using bioinformatics tools for the prediction of the effect of amino acid changes on protein structure and function yielded predictions that this variant is benign. Based on the available information, we are unable to determine the clinical significance of this variant.

Ambry Genetics
Classification: Uncertain significance for Hereditary cancer-predisposing syndrome. Last evaluated: 2019-07-12. Review status: criteria provided, single submitter. Criteria: Ambry Variant Classification Scheme 2023. Collection method: clinical testing. Allele origin: germline.
Comment: The p.S263N variant (also known as c.788G>A), located in coding exon 8 of the BRCA2 gene, results from a G to A substitution at nucleotide position 788. The serine at codon 263 is replaced by asparagine, an amino acid with highly similar properties. This amino acid position is not well conserved in available vertebrate species. In addition, this alteration is predicted to be tolerated by in silico analysis. Since supporting evidence is limited at this time, the clinical significance of this alteration remains unclear.

Color Diagnostics, LLC DBA Color Health
Classification: Uncertain significance for Hereditary cancer-predisposing syndrome. Last evaluated: 2019-04-20. Review status: criteria provided, single submitter. Criteria: ACMG Guidelines, 2015. Collection method: clinical testing. Allele origin: germline.

NM_000059.4(BRCA2):c.788G>A (p.Ser263Asn)

Gene: BRCA2 (BRCA2 DNA repair associated; plus strand). Cytogenetic location: 13q13.1.
Variant type: single nucleotide variant.
Coding change: c.788G>A on transcript NM_000059.4 (MANE Select); coding-DNA position 788, G replaced by A.
Protein change: p.Ser263Asn; replaces serine 263 with asparagine.
Molecular consequence: missense variant.
Genome position (GRCh38, 1-based): chr13:32,331,025, G>A. VCF-style: chr13-32331025-G-A. GRCh37 (hg19) VCF-style: chr13-32905162-G-A.
Other names: short protein forms S263N.
Identifiers: ClinVar variation 631385 (VCV000631385.18), dbSNP rs1555281480, ClinGen allele CA387760244.